The following is an entry in ClinVar:

NM_016816.4(OAS1):c.509_510del (p.Tyr170fs)

Gene: OAS1 (2'-5'-oligoadenylate synthetase 1; plus strand). Cytogenetic location: 12q24.13.
Variant type: Deletion.
Coding change: c.509_510del on transcript NM_016816.4 (MANE Select); coding-DNA positions 509 to 510, 2 bases deleted (AT; older notation c.509_510delAT).
Protein change: p.Tyr170fs; shifts the reading frame from tyrosine 170.
Molecular consequence: frameshift variant. On other transcripts: non-coding transcript variant (5), intron variant (9).
Genome position (GRCh38, 1-based): chr12:112,911,090-112,911,091, AT deleted; deleting any 2 consecutive bases within chr12:112,911,089-112,911,091 gives the same sequence; the c. name uses the placement nearest the transcript's 3' end. VCF-style (leftmost placement, unchanged base first): chr12-112911088-CTA-C. GRCh37 (hg19) VCF-style: chr12-113348893-CTA-C.
Other names: c.509_510del, p.Tyr170fs (NM_001032409.3, NM_001320151.2, NM_001406022.1 and 1 more transcripts); c.470-8_470-7del (NM_001406025.1, NM_001406024.1, NM_001406023.1 and 2 more transcripts); c.180+3871_180+3872del (NM_001406030.1, NM_001406029.1, NM_001406027.1 and 1 more transcripts); short protein forms Y170fs.
Identifiers: ClinVar variation 4713134 (VCV004713134.1).

ClinVar aggregate classification (germline): Uncertain significance (1 of 4 stars; one submission).

Submission:

Labcorp Genetics (formerly Invitae), Labcorp
Classification: Uncertain significance. Last evaluated: 2025-02-15. Review status: criteria provided, single submitter. Criteria: Invitae Variant Classification Sherloc (09022015). Collection method: clinical testing. Allele origin: germline.
Comment: This sequence change creates a premature translational stop signal (p.Tyr170Cysfs*50) in the OAS1 gene. It is expected to result in an absent or disrupted protein product. However, the current clinical and genetic evidence is not sufficient to establish whether loss-of-function variants in OAS1 cause disease. This variant is not present in population databases (gnomAD no frequency). This variant has not been reported in the literature in individuals affected with OAS1-related conditions. In summary, the available evidence is currently insufficient to determine the role of this variant in disease. Therefore, it has been classified as a Variant of Uncertain Significance.